The following is an entry in ClinVar:

NM_000090.4(COL3A1):c.4220A>C (p.Lys1407Thr)

Gene: COL3A1 (collagen type III alpha 1 chain; plus strand). Cytogenetic location: 2q32.2.
Variant type: single nucleotide variant.
Coding change: c.4220A>C on transcript NM_000090.4 (MANE Select); coding-DNA position 4220, A replaced by C.
Protein change: p.Lys1407Thr; replaces lysine 1407 with threonine.
Molecular consequence: missense variant.
Genome position (GRCh38, 1-based): chr2:189,010,856, A>C. VCF-style: chr2-189010856-A-C. GRCh37 (hg19) VCF-style: chr2-189875582-A-C.
Other names: short protein forms K1407T.
Identifiers: ClinVar variation 629570 (VCV000629570.16), dbSNP rs747651283, ClinGen allele CA076504.

ClinVar aggregate classification (germline): Conflicting classifications of pathogenicity. Review status: criteria provided, conflicting classifications (1 of 4 stars). 7 submissions from 7 submitters: Uncertain significance (6); Likely benign (1). Last evaluated 2024-10-24.

Conditions:
Ehlers-Danlos syndrome, type 4 (EDSVASC). Also called: Ehlers-Danlos syndrome vascular type; Ehlers Danlos syndrome, ecchymotic type; Ehlers Danlos syndrome, arterial type; Ehlers Danlos syndrome, Sack-Barabas type; Ehlers-Danlos Syndrome Type IV. Identifiers: Orphanet 286, MedGen C0268338, MONDO:0017314, OMIM 130050.
Familial thoracic aortic aneurysm and aortic dissection (TAAD). Also called: Thoracic aortic aneurysms and dissections. Identifiers: Orphanet 91387, MedGen C4707243, MONDO:0019625.

Allele frequency attached by ClinVar (database versions not stated): TOPMed below 0.00001; gnomAD 0.00001; gnomAD exomes 0.00002; ExAC 0.00004.
gnomAD v4.1: 14 of 1,614,060 alleles (0.00087%); highest among the groups gnomAD compares: Non-Finnish European, 0.001%; no homozygotes.

Submissions (7):

Blueprint Genetics
Classification: Likely benign. Last evaluated: 2024-10-24. Review status: criteria provided, single submitter. Criteria: ACMG Guidelines, 2015. Collection method: clinical testing. Allele origin: germline.

ARUP Laboratories, Molecular Genetics and Genomics, ARUP Laboratories
Classification: Uncertain significance. Last evaluated: 2024-09-17. Review status: criteria provided, single submitter. Criteria: ARUP Molecular Germline Variant Investigation Process 2024. Collection method: clinical testing. Allele origin: germline.
Comment: The COL3A1 c.4220A>C; p.Lys1407Thr variant (rs747651283), to our knowledge, is not reported in the medical literature but is reported in ClinVar (Variation ID: 629570). This variant is found in the non-Finnish European population with an allele frequency of 0.002% (6/282792 alleles) in the Genome Aggregation Database (v2.1.1). Computational analyses are uncertain whether this variant is neutral or deleterious (REVEL: 0.515). Due to limited information, the clinical significance of this variant is uncertain at this time.

All of Us Research Program, National Institutes of Health
Classification: Uncertain significance for Ehlers-Danlos syndrome, type 4. Last evaluated: 2024-05-14. Review status: criteria provided, single submitter. Criteria: ACMG Guidelines, 2015. Collection method: clinical testing. Allele origin: germline. Inheritance: Autosomal dominant inheritance. Observed: 3 variant alleles, 3 heterozygotes.
Comment: This missense variant replaces lysine with threonine at codon 1407 of the COL3A1 protein. Computational prediction is inconclusive regarding the impact of this variant on protein structure and function (internally defined REVEL score threshold 0.5 < inconclusive < 0.7, PMID: 27666373). To our knowledge, functional studies have not been reported for this variant. This variant has not been reported in individuals affected with COL3A1-related disorders in the literature. This variant has been identified in 6/282792 chromosomes in the general population by the Genome Aggregation Database (gnomAD). The available evidence is insufficient to determine the role of this variant in disease conclusively. Therefore, this variant is classified as a Variant of Uncertain Significance.

This study involves interpretation of variants in research participants for the purpose of population health screening. Participant phenotype was not available at the time of variant classification. Additional details can be found in publication PMID: 35346344, PMCID: PMC8962531

Department of Clinical Genetics, Copenhagen University Hospital, Rigshospitalet
Classification: Uncertain significance for Ehlers-Danlos syndrome, type 4. Last evaluated: 2024-04-04. Review status: criteria provided, single submitter. Criteria: ACMG Guidelines, 2015. Collection method: clinical testing. Allele origin: germline.
Comment: PM2_M, PP2_Sup

Color Diagnostics, LLC DBA Color Health
Classification: Uncertain significance for Familial thoracic aortic aneurysm and aortic dissection. Last evaluated: 2024-03-06. Review status: criteria provided, single submitter. Criteria: ACMG Guidelines, 2015. Collection method: clinical testing. Allele origin: germline.
Comment: This missense variant replaces lysine with threonine at codon 1407 of the COL3A1 protein. Computational prediction is inconclusive regarding the impact of this variant on protein structure and function (internally defined REVEL score threshold 0.5 < inconclusive < 0.7, PMID: 27666373). To our knowledge, functional studies have not been reported for this variant. This variant has not been reported in individuals affected with COL3A1-related disorders in the literature. This variant has been identified in 6/282792 chromosomes in the general population by the Genome Aggregation Database (gnomAD). The available evidence is insufficient to determine the role of this variant in disease conclusively. Therefore, this variant is classified as a Variant of Uncertain Significance.

Labcorp Genetics (formerly Invitae), Labcorp
Classification: Uncertain significance for Ehlers-Danlos syndrome, type 4. Last evaluated: 2022-08-21. Review status: criteria provided, single submitter. Criteria: Invitae Variant Classification Sherloc (09022015). Collection method: clinical testing. Allele origin: germline.
Comment: This sequence change replaces lysine, which is basic and polar, with threonine, which is neutral and polar, at codon 1407 of the COL3A1 protein (p.Lys1407Thr). This variant is present in population databases (rs747651283, gnomAD 0.005%). This variant has not been reported in the literature in individuals affected with COL3A1-related conditions. ClinVar contains an entry for this variant (Variation ID: 629570). Advanced modeling of protein sequence and biophysical properties (such as structural, functional, and spatial information, amino acid conservation, physicochemical variation, residue mobility, and thermodynamic stability) performed at Invitae indicates that this missense variant is not expected to disrupt COL3A1 protein function. In summary, the available evidence is currently insufficient to determine the role of this variant in disease. Therefore, it has been classified as a Variant of Uncertain Significance.

Ambry Genetics
Classification: Uncertain significance for Familial thoracic aortic aneurysm and aortic dissection. Last evaluated: 2017-07-19. Review status: criteria provided, single submitter. Criteria: Ambry Variant Classification Scheme 2023. Collection method: clinical testing. Allele origin: germline.
Comment: The p.K1407T variant (also known as c.4220A>C), located in coding exon 50 of the COL3A1 gene, results from an A to C substitution at nucleotide position 4220. The lysine at codon 1407 is replaced by threonine, an amino acid with similar properties, and is located in the C-terminal propeptide. This amino acid position is highly conserved through mammals but not in all available vertebrate species. In addition, the in silico prediction for this alteration is inconclusive. Since supporting evidence is limited at this time, the clinical significance of this alteration remains unclear.